The following is an entry in ClinVar:

ClinVar aggregate classification (germline): Pathogenic (1 of 4 stars; one submission).

Conditions:
Phenylketonuria (PKU). Also called: FOLLING DISEASE; Phenylketonurias; Phenylketonuria (PKU); OLIGOPHRENIA PHENYLPYRUVICA. Identifiers: Orphanet 716, MedGen C0031485, MONDO:0009861, OMIM 261600. Disease mechanism: loss of function.

Submission:

Labcorp Genetics (formerly Invitae), Labcorp
Classification: Pathogenic for Phenylketonuria. Last evaluated: 2023-08-28. Review status: criteria provided, single submitter. Criteria: Invitae Variant Classification Sherloc (09022015). Collection method: clinical testing. Allele origin: germline.
Comment: For these reasons, this variant has been classified as Pathogenic. ClinVar contains an entry for this variant (Variation ID: 2098799). This premature translational stop signal has been observed in individual(s) with clinical features of hyperphenylalaninemia (PMID: 32668217). This variant is not present in population databases (gnomAD no frequency). This sequence change creates a premature translational stop signal (p.Asp151Argfs*13) in the PAH gene. It is expected to result in an absent or disrupted protein product. Loss-of-function variants in PAH are known to be pathogenic (PMID: 1301187, 9634518).

Literature cited by the submitters: PubMed 32668217; PubMed 1301187; PubMed 9634518.

NM_000277.3(PAH):c.450dup (p.Asp151fs)

Gene: PAH (phenylalanine hydroxylase; minus strand). Cytogenetic location: 12q23.2.
Variant type: Duplication.
Coding change: c.450dup on transcript NM_000277.3 (MANE Select); coding-DNA position 450, one base duplicated (A; older notation c.450dupA).
Protein change: p.Asp151fs; shifts the reading frame from aspartic acid 151.
Molecular consequence: frameshift variant.
Genome position (GRCh38, 1-based): chr12:102,866,655, T duplicated on the plus strand (A on the coding strand, the reverse complement: PAH is on the minus strand); the first of 3 consecutive T bases (chr12:102,866,655-102,866,657); duplicating any one gives the same sequence. VCF-style (leftmost placement, unchanged base first): chr12-102866654-C-CT. GRCh37 (hg19) VCF-style: chr12-103260432-C-CT.
Other names: c.450dup, p.Asp151fs (NM_001354304.2); short protein forms D151fs.
Identifiers: ClinVar variation 2098799 (VCV002098799.4), dbSNP rs2499637040, ClinGen allele CA2580085688.